The following is an entry in ClinVar:

NM_001375567.1(FOCAD):c.4205A>G (p.Gln1402Arg)

Gene: FOCAD (focadhesin; plus strand). Cytogenetic location: 9p21.3.
Variant type: single nucleotide variant.
Coding change: c.4205A>G on transcript NM_001375567.1 (MANE Select); coding-DNA position 4205, A replaced by G.
Protein change: p.Gln1402Arg; replaces glutamine 1402 with arginine.
Molecular consequence: missense variant.
Genome position (GRCh38, 1-based): chr9:20,976,492, A>G. VCF-style: chr9-20976492-A-G. GRCh37 (hg19) VCF-style: chr9-20976491-A-G.
Other names: c.4100A>G, p.Gln1367Arg (NM_001375568.1, NM_001375570.1); c.4205A>G, p.Gln1402Arg (NM_017794.5); short protein forms Q1367R, Q1402R.
Identifiers: ClinVar variation 3709468 (VCV003709468.2).

ClinVar aggregate classification (germline): Uncertain significance (1 of 4 stars; one submission).

gnomAD v4.1: 265 of 1,613,394 alleles (0.016%); highest among the groups gnomAD compares: Non-Finnish European, 0.02%; no homozygotes.

Submission:

Labcorp Genetics (formerly Invitae), Labcorp
Classification: Uncertain significance. Last evaluated: 2025-12-23. Review status: criteria provided, single submitter. Criteria: Invitae Variant Classification Sherloc (09022015). Collection method: clinical testing. Allele origin: germline.
Comment: This sequence change replaces glutamine, which is neutral and polar, with arginine, which is basic and polar, at codon 1402 of the FOCAD protein (p.Gln1402Arg). This variant is present in population databases (rs147846255, gnomAD 0.02%). This variant has not been reported in the literature in individuals affected with FOCAD-related conditions. ClinVar contains an entry for this variant (Variation ID: 3709468). Experimental studies and prediction algorithms are not available or were not evaluated, and the functional significance of this variant is currently unknown. In summary, the available evidence is currently insufficient to determine the role of this variant in disease. Therefore, it has been classified as a Variant of Uncertain Significance.